The following is an entry in ClinVar:

ClinVar aggregate classification (germline): Uncertain significance (1 of 4 stars; one submission).

Conditions:
Cardiomyopathy (CMYO). Also called: Cardiomyopathies. Identifiers: Orphanet 167848, MedGen C0878544, MONDO:0004994, HP:0001638. Inheritance: Various modes of inheritance.

Submission:

Color Diagnostics, LLC DBA Color Health
Classification: Uncertain significance for Cardiomyopathy. Last evaluated: 2023-12-04. Review status: criteria provided, single submitter. Criteria: ACMG Guidelines, 2015. Collection method: clinical testing. Allele origin: germline.
Comment: Variant of Uncertain Significance due to insufficient evidence: This missense variant is located in the central rod domain of the DSP protein that is thought to form a dimeric coiled coil. Computational prediction tools and conservation analyses are inconclusive regarding the impact of this variant on the protein function. Computational splicing tools suggest that this variant may not impact RNA splicing. To our knowledge, functional assays have not been performed for this variant nor has this variant been reported in individuals affected with cardiovascular disorders in the literature. This variant is rare in the general population and has been identified in 0/277264 chromosomes by the Genome Aggregation Database (gnomAD). Available evidence is insufficient to determine the pathogenicity of this variant conclusively.

NM_004415.4(DSP):c.5033C>T (p.Ala1678Val)

Gene: DSP (desmoplakin; plus strand). Cytogenetic location: 6p24.3.
Variant type: single nucleotide variant.
Coding change: c.5033C>T on transcript NM_004415.4 (MANE Select); coding-DNA position 5033, C replaced by T.
Protein change: p.Ala1678Val; replaces alanine 1678 with valine.
Molecular consequence: missense variant. On other transcripts: intron variant (2).
Genome position (GRCh38, 1-based): chr6:7,581,223, C>T. VCF-style: chr6-7581223-C-T. GRCh37 (hg19) VCF-style: chr6-7581456-C-T.
Other names: c.4050+983C>T (NM_001319034.2); c.3583-1419C>T (NM_001008844.3); short protein forms A1678V.
Identifiers: ClinVar variation 918634 (VCV000918634.5), dbSNP rs1759429468, ClinGen allele CA362687696.